The following is an entry in ClinVar:

NM_031483.7(ITCH):c.854C>T (p.Ala285Val)

Gene: ITCH (itchy E3 ubiquitin protein ligase; plus strand). Cytogenetic location: 20q11.22.
Variant type: single nucleotide variant.
Coding change: c.854C>T on transcript NM_031483.7 (MANE Select); coding-DNA position 854, C replaced by T.
Protein change: p.Ala285Val; replaces alanine 285 with valine.
Molecular consequence: missense variant.
Genome position (GRCh38, 1-based): chr20:34,440,329, C>T. VCF-style: chr20-34440329-C-T. GRCh37 (hg19) VCF-style: chr20-33028134-C-T.
Other names: c.977C>T, p.Ala326Val (NM_001257137.3, NM_001324197.2); c.524C>T, p.Ala175Val (NM_001257138.3); c.854C>T, p.Ala285Val (NM_001324198.2); short protein forms A175V, A285V, A326V.
Identifiers: ClinVar variation 2706224 (VCV002706224.3), dbSNP rs2515672492, ClinGen allele CA408663358.

ClinVar aggregate classification (germline): Uncertain significance (1 of 4 stars; one submission).

Conditions:
Syndromic multisystem autoimmune disease due to ITCH deficiency. Also called: AUTOIMMUNE DISEASE, MULTISYSTEM, WITH FACIAL DYSMORPHISM. Identifiers: Orphanet 228426, MedGen C3150649, MONDO:0013245, OMIM 613385.

Allele frequency attached by ClinVar (database versions not stated): gnomAD exomes below 0.00001.
gnomAD v4.1: 1 of 1,613,660 alleles (0.000062%); highest among the groups gnomAD compares: Non-Finnish European, 0.000085%; no homozygotes.

Submission:

Labcorp Genetics (formerly Invitae), Labcorp
Classification: Uncertain significance for Syndromic multisystem autoimmune disease due to ITCH deficiency. Last evaluated: 2023-12-28. Review status: criteria provided, single submitter. Criteria: Invitae Variant Classification Sherloc (09022015). Collection method: clinical testing. Allele origin: germline.
Comment: This sequence change replaces alanine, which is neutral and non-polar, with valine, which is neutral and non-polar, at codon 285 of the ITCH protein (p.Ala285Val). This variant is not present in population databases (gnomAD no frequency). This variant has not been reported in the literature in individuals affected with ITCH-related conditions. An algorithm developed to predict the effect of missense changes on protein structure and function (PolyPhen-2) suggests that this variant is likely to be tolerated. In summary, the available evidence is currently insufficient to determine the role of this variant in disease. Therefore, it has been classified as a Variant of Uncertain Significance.